The following is an entry in ClinVar:

ClinVar aggregate classification (germline): Likely pathogenic (1 of 4 stars; one submission).

Conditions:
Kabuki syndrome 1 (KABUK1). Also called: KMT2D-Related Kabuki Syndrome. Identifiers: Orphanet 2322, MedGen CN030661, MONDO:0007843, OMIM 147920.

Submission:

3billion
Classification: Likely pathogenic for Kabuki syndrome 1. Last evaluated: 2025-05-07. Review status: criteria provided, single submitter. Criteria: ACMG Guidelines, 2015. Collection method: clinical testing. Allele origin: germline. Affected: yes.
Comment: The variant is not observed in the gnomAD v4.1.0 dataset. Predicted Consequence/Location: Frameshift: predicted to result in a loss or disruption of normal protein function through nonsense-mediated decay (NMD) or protein truncation. Multiple pathogenic variants are reported downstream of the variant. Therefore, this variant is classified as Likely pathogenic according to the recommendation of ACMG/AMP guideline.

NM_003482.4(KMT2D):c.12503_12504del (p.Thr4168fs)

Gene: KMT2D (lysine methyltransferase 2D; minus strand). Cytogenetic location: 12q13.12.
Variant type: Deletion.
Coding change: c.12503_12504del on transcript NM_003482.4 (MANE Select); coding-DNA positions 12503 to 12504, 2 bases deleted (CA; older notation c.12503_12504delCA).
Protein change: p.Thr4168fs; shifts the reading frame from threonine 4168.
Molecular consequence: frameshift variant.
Genome position (GRCh38, 1-based): chr12:49,032,201-49,032,202, TG deleted on the plus strand (CA on the coding strand, the reverse complement: KMT2D is on the minus strand); deleting any 2 consecutive bases within chr12:49,032,201-49,032,203 gives the same sequence; the c. name uses the placement nearest the transcript's 3' end. VCF-style (leftmost placement, unchanged base first): chr12-49032200-CTG-C. GRCh37 (hg19) VCF-style: chr12-49425983-CTG-C.
Other names: short protein forms T4168fs.
Identifiers: ClinVar variation 4854867 (VCV004854867.1).